The following is an entry in ClinVar:

NM_198578.4(LRRK2):c.4129C>T (p.Pro1377Ser)

Gene: LRRK2 (leucine rich repeat kinase 2; plus strand). Cytogenetic location: 12q12.
Variant type: single nucleotide variant.
Coding change: c.4129C>T on transcript NM_198578.4 (MANE Select); coding-DNA position 4129, C replaced by T.
Protein change: p.Pro1377Ser; replaces proline 1377 with serine.
Molecular consequence: missense variant.
Genome position (GRCh38, 1-based): chr12:40,308,636, C>T. VCF-style: chr12-40308636-C-T. GRCh37 (hg19) VCF-style: chr12-40702438-C-T.
Other names: short protein forms P1377S.
Identifiers: ClinVar variation 3540785 (VCV003540785.1).
Genomic context (GRCh38, chr12:40,308,636, plus strand): 5'-ACCAAGAAATCAGATCTTGGAATGCAAAGTGCCACAGTTGGCATAGATGTGAAAGACTGG[C>T]CTATCCAAATAAGAGACAAAAGAAAGAGAGATCTCGTCCTAAATGTGTGGGATTTTGCAG-3'
Protein context (NP_940980.4, residues 1367-1387): ATVGIDVKDW[Pro1377Ser]IQIRDKRKRD

ClinVar aggregate classification (germline): Uncertain significance (1 of 4 stars; one submission).

Conditions:
Inborn genetic diseases. Identifiers: MedGen C0950123, MeSH D030342.

Submission:

Ambry Genetics
Classification: Uncertain significance for Inborn genetic diseases. Last evaluated: 2024-11-15. Review status: criteria provided, single submitter. Criteria: Ambry Variant Classification Scheme 2023. Collection method: clinical testing. Allele origin: germline.
Comment: The p.P1377S variant (also known as c.4129C>T), located in coding exon 29 of the LRRK2 gene, results from a C to T substitution at nucleotide position 4129. The proline at codon 1377 is replaced by serine, an amino acid with similar properties. This amino acid position is conserved. In addition, this alteration is predicted to be tolerated by in silico analysis. Based on the available evidence, the clinical significance of this variant remains unclear.